The following is an entry in ClinVar:

GRCh38/hg38 1q21.1-21.2(chr1:145335791-146944906)x1

Genes: ANKRD34A (ankyrin repeat domain 34A; minus strand), ANKRD35 (ankyrin repeat domain 35; minus strand), ANKRD35-DT (ANKRD35 divergent transcript; plus strand), CD160 (CD160 molecule; plus strand), CH17-408M7.1 (uncharacterized LOC102724558; plus strand) and 65 more. Cytogenetic location: 1q21.1-21.2.
Variant type: copy number loss.
Change: copy number 1 (one copy instead of two) of chr1:145,335,791-146,944,906 (1.61 Mb, GRCh38 coordinates, 1-based), cytogenetic band 1q21.1-21.2.
Identifiers: ClinVar variation 59860 (VCV000059860.2).

ClinVar aggregate classification (germline): Pathogenic (1 of 4 stars; one submission).

Submission:

ISCA Site 6
Classification: Pathogenic. Last evaluated: 2011-08-12. Review status: criteria provided, single submitter. Criteria: Kaminsky et al. (Genet Med. 2011). Collection method: clinical testing. Allele origin: de novo. Affected: yes. Observed: 1 variant allele.
Comment: Copy number variation identified through the course of routine clinical cytogenomic testing in postnatal populations. Clinical assertions have been curated as described in Kaminsky et al. 2011.